The following is an entry in ClinVar:

NM_016169.4(SUFU):c.683+1G>T

Gene: SUFU (SUFU negative regulator of hedgehog signaling; plus strand). Cytogenetic location: 10q24.32.
Variant type: single nucleotide variant.
Coding change: c.683+1G>T on transcript NM_016169.4 (MANE Select); the canonical splice donor site of the intron after coding-DNA position 683, G replaced by T.
Molecular consequence: splice donor variant.
Genome position (GRCh38, 1-based): chr10:102,593,722, G>T. VCF-style: chr10-102593722-G-T. GRCh37 (hg19) VCF-style: chr10-104353479-G-T.
Other names: c.683+1G>T (NM_001178133.2).
Identifiers: ClinVar variation 4865244 (VCV004865244.1).

ClinVar aggregate classification (germline): Likely pathogenic (1 of 4 stars; one submission).

Conditions:
Hereditary cancer-predisposing syndrome. Also called: Neoplastic Syndromes, Hereditary; Tumor predisposition; Hereditary Cancer Syndrome; Hereditary neoplastic syndrome. Identifiers: Orphanet 140162, MedGen C0027672, MeSH D009386, MONDO:0015356.

Submission:

Ambry Genetics
Classification: Likely pathogenic for Hereditary cancer-predisposing syndrome. Last evaluated: 2026-04-21. Review status: criteria provided, single submitter. Criteria: Ambry Variant Classification Scheme 2023. Collection method: clinical testing. Allele origin: germline.
Comment: The c.683+1G>T intronic variant results from a G to T substitution one nucleotide after coding exon 5 of the SUFU gene. This variant is considered to be rare based on population cohorts in the Genome Aggregation Database (gnomAD). This nucleotide position is highly conserved in available vertebrate species. In silico splice site analysis predicts that this alteration will weaken the native splice donor site and will result in the creation or strengthening of a novel splice donor site. Alterations that disrupt the canonical splice site are expected to cause aberrant splicing, resulting in an abnormal protein or a transcript that is subject to nonsense-mediated mRNA decay. As such, this alteration is classified as likely pathogenic